The following is an entry in ClinVar:

NM_021961.6(TEAD1):c.928A>G (p.Ser310Gly)

Gene: TEAD1 (TEA domain transcription factor 1; plus strand). Cytogenetic location: 11p15.3.
Variant type: single nucleotide variant.
Coding change: c.928A>G on transcript NM_021961.6 (MANE Select); coding-DNA position 928, A replaced by G.
Protein change: p.Ser310Gly; replaces serine 310 with glycine.
Molecular consequence: missense variant.
Genome position (GRCh38, 1-based): chr11:12,924,966, A>G. VCF-style: chr11-12924966-A-G. GRCh37 (hg19) VCF-style: chr11-12946513-A-G.
Other names: short protein forms S310G.
Identifiers: ClinVar variation 1017480 (VCV001017480.9), dbSNP rs201118611, ClinGen allele CA217806681.

ClinVar aggregate classification (germline): Uncertain significance (1 of 4 stars; one submission).

Submission:

Labcorp Genetics (formerly Invitae), Labcorp
Classification: Uncertain significance. Last evaluated: 2020-02-26. Review status: criteria provided, single submitter. Criteria: Invitae Variant Classification Sherloc (09022015). Collection method: clinical testing. Allele origin: germline.
Comment: In summary, the available evidence is currently insufficient to determine the role of this variant in disease. Therefore, it has been classified as a Variant of Uncertain Significance. Algorithms developed to predict the effect of sequence changes on RNA splicing suggest that this variant may create or strengthen a splice site, but this prediction has not been confirmed by published transcriptional studies. Algorithms developed to predict the effect of missense changes on protein structure and function are either unavailable or do not agree on the potential impact of this missense change (SIFT: "Deleterious"; PolyPhen-2: "Possibly Damaging"; Align-GVGD: "Class C0"). This variant has not been reported in the literature in individuals with TEAD1-related conditions. This variant is not present in population databases (ExAC no frequency). This sequence change replaces serine with glycine at codon 310 of the TEAD1 protein (p.Ser310Gly). The serine residue is highly conserved and there is a small physicochemical difference between serine and glycine.